The following is an entry in ClinVar:

NM_022552.5(DNMT3A):c.178-9C>T

Gene: DNMT3A (DNA methyltransferase 3 alpha; minus strand). Cytogenetic location: 2p23.3.
Variant type: single nucleotide variant.
Coding change: c.178-9C>T on transcript NM_022552.5 (MANE Select); 9 bases into the intron before coding-DNA position 178, C replaced by T.
Molecular consequence: intron variant.
Genome position (GRCh38, 1-based): chr2:25,282,720, G>A on the plus strand (C>T on the coding strand, the complement: DNMT3A is on the minus strand). VCF-style: chr2-25282720-G-A. GRCh37 (hg19) VCF-style: chr2-25505589-G-A.
Other names: c.178-9C>T (NM_175629.2, NM_175630.1, NM_001320892.2).
Identifiers: ClinVar variation 3032117 (VCV003032117.2), dbSNP rs371732107, ClinGen allele CA1556519.
Genomic context (GRCh38, chr2:25,282,720, plus strand): 5'-ATGGGGACTTGGAGATCACCGCAGGGTCCTTTGGCGTGTCACCGCTTTCCACCTGCAAAT[G>A]TAAGAAAGATACACAAGAGGAGGGTTAGATCAGTGGGCTTAGCCTGTTTTGGATCATTGA-3'

ClinVar aggregate classification (germline): Likely benign (0 of 4 stars; one submission).

Conditions:
DNMT3A-related disorder. Also called: DNMT3A-related disorders; DNMT3A-related condition.

Allele frequency attached by ClinVar (database versions not stated): ExAC 0.00002; TOPMed 0.00002; gnomAD 0.00003; gnomAD exomes 0.00003; ESP Exome Variant Server 0.00008.
gnomAD v4.1: 42 of 1,518,740 alleles (0.0028%); highest among the groups gnomAD compares: Non-Finnish European, 0.0034%; no homozygotes.

Submission:

PreventionGenetics, part of Exact Sciences
Classification: Likely benign for DNMT3A-related condition. Last evaluated: 2023-08-16. Review status: no assertion criteria provided. Collection method: clinical testing. Allele origin: germline.
Comment: This variant is classified as likely benign based on ACMG/AMP sequence variant interpretation guidelines (Richards et al. 2015 PMID: 25741868, with internal and published modifications).